The following is an entry in ClinVar:

ClinVar aggregate classification (germline): Uncertain significance. Review status: criteria provided, multiple submitters, no conflicts (2 of 4 stars). 3 submissions from 3 submitters: Uncertain significance (3). Last evaluated 2025-02-05.

Conditions:
Familial focal epilepsy with variable foci (FPEVF). Identifiers: Orphanet 98820, MedGen C1858477, MONDO:0020310.

gnomAD v4.1: 31 of 1,614,114 alleles (0.0019%); highest among the groups gnomAD compares: Non-Finnish European, 0.0023%; no homozygotes.

Submissions (3):

Labcorp Genetics (formerly Invitae), Labcorp
Classification: Uncertain significance for Familial focal epilepsy with variable foci. Last evaluated: 2025-02-05. Review status: criteria provided, single submitter. Criteria: Invitae Variant Classification Sherloc (09022015). Collection method: clinical testing. Allele origin: germline.
Comment: This sequence change replaces arginine, which is basic and polar, with cysteine, which is neutral and slightly polar, at codon 945 of the DEPDC5 protein (p.Arg945Cys). This variant is not present in population databases (gnomAD no frequency). This variant has not been reported in the literature in individuals affected with DEPDC5-related conditions. ClinVar contains an entry for this variant (Variation ID: 1304208). Experimental studies and prediction algorithms are not available or were not evaluated, and the functional significance of this variant is currently unknown. In summary, the available evidence is currently insufficient to determine the role of this variant in disease. Therefore, it has been classified as a Variant of Uncertain Significance.

GeneDx
Classification: Uncertain significance. Last evaluated: 2024-06-11. Review status: criteria provided, single submitter. Criteria: GeneDx Variant Classification Process June 2021. Collection method: clinical testing. Allele origin: germline. Affected: yes.
Comment: Not observed at significant frequency in large population cohorts (gnomAD); In silico analysis supports that this missense variant has a deleterious effect on protein structure/function; Has not been previously published as pathogenic or benign to our knowledge

Blueprint Genetics
Classification: Uncertain significance. Last evaluated: 2022-01-10. Review status: criteria provided, single submitter. Criteria: ACMG Guidelines, 2015. Collection method: clinical testing. Allele origin: germline.

NM_001242896.3(DEPDC5):c.2833C>T (p.Arg945Cys)

Gene: DEPDC5 (DEP domain containing 5, GATOR1 subcomplex subunit; plus strand). Cytogenetic location: 22q12.3.
Variant type: single nucleotide variant.
Coding change: c.2833C>T on transcript NM_001242896.3 (MANE Select); coding-DNA position 2833, C replaced by T.
Protein change: p.Arg945Cys; replaces arginine 945 with cysteine.
Molecular consequence: missense variant. On other transcripts: non-coding transcript variant (5).
Genome position (GRCh38, 1-based): chr22:31,845,049, C>T. VCF-style: chr22-31845049-C-T. GRCh37 (hg19) VCF-style: chr22-32241035-C-T.
Other names: c.2806C>T, p.Arg936Cys (NM_001136029.4, NM_001369903.1, NM_014662.6); c.2599C>T, p.Arg867Cys (NM_001242897.2, NM_001363854.2, NM_001364319.2); c.2833C>T, p.Arg945Cys (NM_001363852.2, NM_001364318.2, NM_001364320.2); c.2749C>T, p.Arg917Cys (NM_001369901.1, NM_001369902.1); short protein forms R867C, R917C, R936C, R945C.
Identifiers: ClinVar variation 1304208 (VCV001304208.7), dbSNP rs2149023525, ClinGen allele CA411290960.